The following is an entry in ClinVar:

ClinVar aggregate classification (germline): Uncertain significance (1 of 4 stars; one submission).

Allele frequency attached by ClinVar (database versions not stated): TOPMed below 0.00001; gnomAD 0.00001; gnomAD exomes 0.00001.
gnomAD v4.1: 6 of 1,613,896 alleles (0.00037%); highest among the groups gnomAD compares: Non-Finnish European, 0.00051%; no homozygotes.

Submission:

GeneDx
Classification: Uncertain significance. Last evaluated: 2014-03-20. Review status: criteria provided, single submitter. Criteria: GeneDx Variant Classification (06012015). Collection method: clinical testing. Allele origin: germline. Affected: yes.
Comment: Missense variants in the TTN gene are considered 'unclassified' if they are not previously reported in the literature and do not have >1% frequency in the population to be considered a polymorphism. Research indicates that truncating mutations in the TTN gene are expected to account for approximately 25% of familial and 18% of sporadic idiopathic DCM; however, truncating variants in the TTN gene have been reported in approximately 3% of reported control alleles. There has been little investigation into non-truncating variants. (Herman D et al. Truncations of titin causing dilated cardiomyopathy. N Eng J Med 366:619-628, 2012) The variant is found in CARDIOMYOPATHY panel(s).

NM_001267550.2(TTN):c.9776G>A (p.Cys3259Tyr)

Gene: TTN (titin; minus strand). Cytogenetic location: 2q31.2.
Variant type: single nucleotide variant.
Coding change: c.9776G>A on transcript NM_001267550.2 (MANE Select); coding-DNA position 9776, G replaced by A.
Protein change: p.Cys3259Tyr; replaces cysteine 3259 with tyrosine.
Molecular consequence: missense variant.
Genome position (GRCh38, 1-based): chr2:178,764,739, C>T on the plus strand (G>A on the coding strand, the complement: TTN is on the minus strand). VCF-style: chr2-178764739-C-T. GRCh37 (hg19) VCF-style: chr2-179629466-C-T.
Other names: p.C3259Y:TGT>TAT; c.9776G>A, p.Cys3259Tyr (NM_001256850.1, NM_133378.4, NM_133379.5); c.9638G>A, p.Cys3213Tyr (NM_003319.4, NM_133432.3, NM_133437.4); short protein forms C3259Y, C3213Y.
Identifiers: ClinVar variation 203171 (VCV000203171.2), dbSNP rs794729585, ClinGen allele CA311562.